The following is an entry in ClinVar:

ClinVar aggregate classification (germline): Uncertain significance. Review status: criteria provided, multiple submitters, no conflicts (2 of 4 stars). 3 submissions from 3 submitters: Uncertain significance (3). Last evaluated 2023-01-30.

Conditions:
Familial focal epilepsy with variable foci (FPEVF). Identifiers: Orphanet 98820, MedGen C1858477, MONDO:0020310.
Inborn genetic diseases. Identifiers: MedGen C0950123, MeSH D030342.

Allele frequency attached by ClinVar (database versions not stated): gnomAD exomes below 0.00001; TOPMed below 0.00001; ExAC 0.00002.

Submissions (3):

Labcorp Genetics (formerly Invitae), Labcorp
Classification: Uncertain significance for Familial focal epilepsy with variable foci. Last evaluated: 2023-01-30. Review status: criteria provided, single submitter. Criteria: Invitae Variant Classification Sherloc (09022015). Collection method: clinical testing. Allele origin: germline.
Comment: This sequence change replaces proline, which is neutral and non-polar, with serine, which is neutral and polar, at codon 822 of the DEPDC5 protein (p.Pro822Ser). In summary, the available evidence is currently insufficient to determine the role of this variant in disease. Therefore, it has been classified as a Variant of Uncertain Significance. Algorithms developed to predict the effect of missense changes on protein structure and function output the following: SIFT: "Tolerated"; PolyPhen-2: "Not Available"; Align-GVGD: "Class C0". The serine amino acid residue is found in multiple mammalian species, which suggests that this missense change does not adversely affect protein function. ClinVar contains an entry for this variant (Variation ID: 1009262). This variant has not been reported in the literature in individuals affected with DEPDC5-related conditions. This variant is present in population databases (rs781677679, gnomAD 0.0009%).

Ambry Genetics
Classification: Uncertain significance for Inborn genetic diseases. Last evaluated: 2021-07-13. Review status: criteria provided, single submitter. Criteria: Ambry Variant Classification Scheme 2023. Collection method: clinical testing. Allele origin: germline.

Blueprint Genetics
Classification: Uncertain significance. Last evaluated: 2020-07-16. Review status: criteria provided, single submitter. Criteria: ACMG Guidelines, 2015. Collection method: clinical testing. Allele origin: germline.

NM_001242896.3(DEPDC5):c.2464C>T (p.Pro822Ser)

Gene: DEPDC5 (DEP domain containing 5, GATOR1 subcomplex subunit; plus strand). Cytogenetic location: 22q12.3.
Variant type: single nucleotide variant.
Coding change: c.2464C>T on transcript NM_001242896.3 (MANE Select); coding-DNA position 2464, C replaced by T.
Protein change: p.Pro822Ser; replaces proline 822 with serine.
Molecular consequence: missense variant. On other transcripts: non-coding transcript variant (5).
Genome position (GRCh38, 1-based): chr22:31,838,794, C>T. VCF-style: chr22-31838794-C-T. GRCh37 (hg19) VCF-style: chr22-32234780-C-T.
Other names: c.2464C>T (NM_001242896.1); c.2437C>T, p.Pro813Ser (NM_001136029.4, NM_001369903.1, NM_014662.6); c.2230C>T, p.Pro744Ser (NM_001242897.2, NM_001363854.2, NM_001364319.2); c.2464C>T, p.Pro822Ser (NM_001363852.2, NM_001364318.2, NM_001364320.2); c.2380C>T, p.Pro794Ser (NM_001369901.1, NM_001369902.1); short protein forms P744S, P794S, P813S, P822S.
Identifiers: ClinVar variation 1009262 (VCV001009262.10), dbSNP rs781677679, ClinGen allele CA10196719.
Genomic context (GRCh38, chr22:31,838,794, plus strand): 5'-TTTATTTGCCAACGTCTCATGCAGGGCTACCAAATCATAGTGCAGCCCAAGACACAGAAA[C>T]CCAATCCTGCTGTCCCGCCCCCGCTGAGCAGTAGCCCACTCTATAGCCGAGGTGAGTTTT-3'
Protein context (NP_001229825.1, residues 812-832): QIIVQPKTQK[Pro822Ser]NPAVPPPLSS